The following is an entry in ClinVar:

NM_002893.4(RBBP7):c.46A>G (p.Ile16Val)

Gene: RBBP7 (RB binding protein 7, chromatin remodeling factor; minus strand). Cytogenetic location: Xp22.2.
Variant type: single nucleotide variant.
Coding change: c.46A>G on transcript NM_002893.4 (MANE Select); coding-DNA position 46, A replaced by G.
Protein change: p.Ile16Val; replaces isoleucine 16 with valine.
Molecular consequence: missense variant.
Genome position (GRCh38, 1-based): chrX:16,869,191, T>C on the plus strand (A>G on the coding strand, the complement: RBBP7 is on the minus strand). VCF-style: chrX-16869191-T-C. GRCh37 (hg19) VCF-style: chrX-16887314-T-C.
Other names: c.178A>G, p.Ile60Val (NM_001198719.2); short protein forms I16V, I60V.
Identifiers: ClinVar variation 2660071 (VCV002660071.24), dbSNP rs2518515432, ClinGen allele CA412474392.

ClinVar aggregate classification (germline): Uncertain significance (1 of 4 stars; one submission).

Submission:

CeGaT Center for Human Genetics Tuebingen
Classification: Uncertain significance. Last evaluated: 2023-01-01. Review status: criteria provided, single submitter. Criteria: CeGaT Center For Human Genetics Tuebingen Variant Classification Criteria Version 2. Collection method: clinical testing. Allele origin: germline. Affected: yes. Observed: 1 variant allele.
Comment: RBBP7: PM2